The following is an entry in ClinVar:

NM_004006.3(DMD):c.7660+1G>A

Gene: DMD (dystrophin; minus strand). Cytogenetic location: Xp21.1.
Variant type: single nucleotide variant.
Coding change: c.7660+1G>A on transcript NM_004006.3 (MANE Select); the canonical splice donor site of the intron after coding-DNA position 7660, G replaced by A.
Molecular consequence: splice donor variant.
Genome position (GRCh38, 1-based): chrX:31,729,630, C>T on the plus strand (G>A on the coding strand, the complement: DMD is on the minus strand). VCF-style: chrX-31729630-C-T. GRCh37 (hg19) VCF-style: chrX-31747747-C-T.
Other names: c.7636+1G>A (NM_000109.4); c.3637+1G>A (NM_004011.4); c.3628+1G>A (NM_004012.4); c.280+1G>A (NM_004023.3, NM_004020.4, NM_004022.3 and 2 more transcripts); c.7648+1G>A (NM_004009.3); c.7291+1G>A (NM_004010.3).
Identifiers: ClinVar variation 3677198 (VCV003677198.4).

ClinVar aggregate classification (germline): Pathogenic. Review status: criteria provided, multiple submitters, no conflicts (2 of 4 stars). 2 submissions from 2 submitters: Pathogenic (2). Last evaluated 2025-09-18.

Conditions:
Duchenne muscular dystrophy (DMD). Also called: MUSCULAR DYSTROPHY, PSEUDOHYPERTROPHIC PROGRESSIVE, DUCHENNE TYPE; Duchenne Muscular Dystrophy (DMD). Identifiers: Orphanet 98896, MedGen C0013264, MONDO:0010679, OMIM 310200.

Submissions (3):

GeneDx
Classification: Pathogenic. Last evaluated: 2025-09-18. Review status: criteria provided, single submitter. Criteria: GeneDx Variant Classification Process June 2021. Collection method: clinical testing. Allele origin: germline. Affected: yes.
Comment: Canonical splice site variant predicted to result in a null allele in a gene for which loss of function is a known mechanism of disease; Not observed at significant frequency in large population cohorts (gnomAD); This variant is associated with the following publications: (PMID: 33420945, 38850354)

Labcorp Genetics (formerly Invitae), Labcorp
Classification: Pathogenic for Duchenne muscular dystrophy. Last evaluated: 2024-08-19. Review status: criteria provided, single submitter. Criteria: Invitae Variant Classification Sherloc (09022015). Collection method: clinical testing. Allele origin: germline.
Comment: This sequence change affects a donor splice site in intron 52 of the DMD gene. It is expected to disrupt RNA splicing. Variants that disrupt the donor or acceptor splice site typically lead to a loss of protein function (PMID: 16199547), and loss-of-function variants in DMD are known to be pathogenic (PMID: 16770791, 25007885). This variant is not present in population databases (gnomAD no frequency). Disruption of this splice site has been observed in individuals with DMD-related conditions (PMID: 33420945; Invitae). Algorithms developed to predict the effect of sequence changes on RNA splicing suggest that this variant may disrupt the consensus splice site. For these reasons, this variant has been classified as Pathogenic.

Dr. Peter K. Rogan Lab, Western University
No classification provided (evidence only). Condition: Thyroid cancer, nonmedullary, 1. Review status: no classification provided. Collection method: in vitro. Allele origin: not applicable. Functional consequence: retained intron. Not counted in ClinVar's aggregate classification.

Literature cited by the submitters: PubMed 16199547 (cited by Labcorp Genetics (formerly Invitae), Labcorp); PubMed 16770791 (cited by Labcorp Genetics (formerly Invitae), Labcorp); PubMed 25007885 (cited by Labcorp Genetics (formerly Invitae), Labcorp); PubMed 33420945 (cited by Labcorp Genetics (formerly Invitae), Labcorp).